The following is an entry in ClinVar:

ClinVar aggregate classification (germline): Uncertain significance (1 of 4 stars; one submission).

Conditions:
PALLD-related disorder. Also called: PALLD-related condition.

Allele frequency attached by ClinVar (database versions not stated): gnomAD exomes below 0.00001; gnomAD 0.00001; TOPMed 0.00002.
gnomAD v4.1: 7 of 1,603,682 alleles (0.00044%); highest among the groups gnomAD compares: Non-Finnish European, 0.0006%; no homozygotes.

Submission:

PreventionGenetics, part of Exact Sciences
Classification: Uncertain significance for PALLD-related condition. Last evaluated: 2022-12-22. Review status: criteria provided, single submitter. Criteria: ACMG Guidelines, 2015. Collection method: clinical testing. Allele origin: germline.
Comment: The PALLD c.1141G>A variant is predicted to result in the amino acid substitution p.Gly381Arg. To our knowledge, this variant has not been reported in the literature or in a large population database, indicating this variant is rare. At this time, the clinical significance of this variant is uncertain due to the absence of conclusive functional and genetic evidence.

NM_001166108.2(PALLD):c.1141G>A (p.Gly381Arg)

Gene: PALLD (palladin, cytoskeletal associated protein; plus strand). Cytogenetic location: 4q32.3.
Variant type: single nucleotide variant.
Coding change: c.1141G>A on transcript NM_001166108.2 (MANE Select); coding-DNA position 1141, G replaced by A.
Protein change: p.Gly381Arg; replaces glycine 381 with arginine.
Molecular consequence: missense variant. On other transcripts: 5 prime UTR variant (1).
Genome position (GRCh38, 1-based): chr4:168,681,385, G>A. VCF-style: chr4-168681385-G-A. GRCh37 (hg19) VCF-style: chr4-169602536-G-A.
Other names: c.-6G>A (NM_001166109.2); c.1141G>A, p.Gly381Arg (NM_016081.4); short protein forms G381R.
Identifiers: ClinVar variation 2632064 (VCV002632064.1), dbSNP rs1246739715, ClinGen allele CA358794097.